The following is an entry in ClinVar:

ClinVar aggregate classification (germline): Likely pathogenic. Review status: criteria provided, single submitter (1 of 4 stars). 2 submissions from 2 submitters: Likely pathogenic (1). 1 of the submissions does not count toward it. Last evaluated 2024-08-04.

Conditions:
Gaucher disease. Also called: Acute cerebral Gaucher disease; Cerebroside lipidosis syndrome; Gaucher splenomegaly; Sphingolipidosis 1; Glucocerebrosidosis; Glucosylceramidase deficiency. Identifiers: Orphanet 355, MedGen C0017205, MONDO:0018150.
Gaucher disease perinatal lethal. Also called: Gaucher disease collodion type; Gaucher Disease, Perinatal-Lethal Form. Identifiers: Orphanet 85212, MedGen C1842704, MONDO:0011945, OMIM 608013.

Submissions (2):

Natera, Inc.
Classification: Likely pathogenic for Gaucher disease. Last evaluated: 2024-08-04. Review status: criteria provided, single submitter. Criteria: Natera Variant Classification Schema (03/2026). Collection method: clinical testing. Allele origin: germline.
Comment: The c.1506-1G>A variant in GBA1 is a canonical splice acceptor site variant predicted to affect pre-mRNA splicing, which may result in an abnormal transcript and altered protein product. This variant is expected to result in nonsense mediated decay, truncation, or a dysfunctional protein product. This variant is rare in the general population with a frequency below the threshold expected for the associated phenotype(s). This variant has been observed in one or more individuals affected with the associated recessive disease, as either homozygous or compound heterozygous with a second variant (PMID: 38553911). Given the available evidence, this variant is classified as Likely Pathogenic.

OMIM
Classification: Pathogenic for GAUCHER DISEASE, PERINATAL LETHAL. Last evaluated: 2004-07-15. Review status: no assertion criteria provided. Collection method: literature only. Allele origin: germline. Not counted in ClinVar's aggregate classification.

Literature cited by the submitters: PubMed 38553911 (cited by Natera, Inc.); PubMed 15214004 (cited by OMIM).

NM_000157.4(GBA1):c.1506-1G>A

Genes: GBA1 (glucosylceramidase beta 1; minus strand), LOC106627981 (GBA recombination region; plus strand). Cytogenetic location: 1q22.
Variant type: single nucleotide variant.
Coding change: c.1506-1G>A on transcript NM_000157.4 (MANE Select); the canonical splice acceptor site of the intron before coding-DNA position 1506, G replaced by A.
Molecular consequence: splice acceptor variant.
Genome position (GRCh38, 1-based): chr1:155,235,101, C>T on the plus strand (G>A on the coding strand, the complement: GBA1 is on the minus strand). VCF-style: chr1-155235101-C-T. GRCh37 (hg19) VCF-style: chr1-155204892-C-T.
Other names: IVS10DS, G-A, -1; c.1245-1G>A (NM_001171811.2); c.1506-1G>A (NM_001005742.3, NM_001005741.3); c.1359-1G>A (NM_001171812.2).
Identifiers: ClinVar variation 4333 (VCV000004333.2), dbSNP rs1571964338, ClinGen allele CA342710572.
Genomic context (GRCh38, chr1:155,235,101, plus strand): 5'-ATTGTCTCCAGGAAGCCCACAGCAGGATCCTTGATGGTAAGAGGCACATCCTTAGAGGAG[C>T]TAGGGAGCAGGGAGGAGAAGCTGAGAGTGTGATCCTGCCAAGGCCCCCAACGCTGTCTTC-3'